The following is an entry in ClinVar:

NM_004168.4(SDHA):c.1038C>G (p.Ser346=)

Gene: SDHA (succinate dehydrogenase complex flavoprotein subunit A; plus strand). Cytogenetic location: 5p15.33.
Variant type: single nucleotide variant.
Coding change: c.1038C>G on transcript NM_004168.4 (MANE Select); coding-DNA position 1038, C replaced by G.
Protein change: p.Ser346=; no amino-acid change (serine 346 retained).
Molecular consequence: synonymous variant.
Genome position (GRCh38, 1-based): chr5:233,619, C>G. VCF-style: chr5-233619-C-G. GRCh37 (hg19) VCF-style: chr5-233734-C-G.
Other names: p.Ser346=; c.894C>G, p.Ser298= (NM_001294332.2); c.1038C>G, p.Ser346= (NM_001330758.2).
Identifiers: ClinVar variation 130273 (VCV000130273.35), dbSNP rs1041949, ClinGen allele CA155142.

ClinVar aggregate classification (germline): Benign. Review status: criteria provided, multiple submitters, no conflicts (2 of 4 stars). 15 submissions from 13 submitters: Benign (14). 1 of the submissions does not count toward it. Last evaluated 2026-02-04.

Conditions:
Hereditary pheochromocytoma and paraganglioma. Also called: Hereditary Paraganglioma-Pheochromocytoma Syndromes; Hereditary paragangliomas and pheochromocytomas; Hereditary pheochromocytoma-paraganglioma. Identifiers: Orphanet 29072, MedGen C4274332, MONDO:0017366.
Pheochromocytoma/paraganglioma syndrome 5. Also called: SDHA-Related Hereditary Paraganglioma-Pheochromocytoma Syndrome; Paragangliomas 5. Identifiers: Orphanet 29072, MedGen C3279992, MONDO:0013602, OMIM 614165.
Leigh syndrome (NULS). Also called: Leigh Disease; Subacute necrotizing encephalopathy; Necrotizing encephalopathy infantile subacute of Leigh; Leigh's necrotizing encephalopathy; Leigh's disease; Leigh Syndrome (mtDNA deletion). Identifiers: Orphanet 506, MedGen C2931891, MONDO:0009723, OMIM 256000.
Mitochondrial complex II deficiency, nuclear type 1. Also called: SUCCINATE CoQ REDUCTASE DEFICIENCY. Identifiers: Orphanet 3208, MedGen C5700310, MONDO:0100294, OMIM 252011.
Hereditary cancer-predisposing syndrome. Also called: Tumor predisposition; Hereditary neoplastic syndrome; Neoplastic Syndromes, Hereditary; Hereditary Cancer Syndrome. Identifiers: Orphanet 140162, MedGen C0027672, MeSH D009386, MONDO:0015356.

Allele frequency attached by ClinVar (database versions not stated): gnomAD 0.24900 and 0.26134; 1000 Genomes Project 0.25779; 1000 Genomes Project 30x 0.27171; TOPMed 0.27694; ESP Exome Variant Server 0.28241.
gnomAD v4.1: 239,549 of 1,613,646 alleles (15%); highest among the groups gnomAD compares: African/African-American, 56%; 25,488 homozygotes.

Submissions (15):

Labcorp Genetics (formerly Invitae), Labcorp
Classification: Benign for Pheochromocytoma/paraganglioma syndrome 5; Mitochondrial complex II deficiency, nuclear type 1. Last evaluated: 2026-02-04. Review status: criteria provided, single submitter. Criteria: Invitae Variant Classification Sherloc (09022015). Collection method: clinical testing. Allele origin: germline.

Myriad Genetics, Inc.
Classification: Benign for Pheochromocytoma/paraganglioma syndrome 5. Last evaluated: 2025-03-07. Review status: criteria provided, single submitter. Criteria: Myriad Autosomal Dominant, Autosomal Recessive and X-Linked Classification Criteria (2023). Collection method: clinical testing. Allele origin: unknown.
Comment: This variant is considered benign. This variant is a silent/synonymous amino acid change and it is not expected to impact splicing.

Hereditary Cancer Laboratory, Hospital Universitario 12 de Octubre
Classification: Benign for Hereditary cancer-predisposing syndrome. Last evaluated: 2025-01-08. Review status: criteria provided, single submitter. Criteria: ACMG Guidelines, 2015. Collection method: clinical testing. Allele origin: germline.
Comment: BA1+BP6+BP7

Blueprint Genetics
Classification: Benign. Last evaluated: 2024-11-26. Review status: criteria provided, single submitter. Criteria: ACMG Guidelines, 2015. Collection method: clinical testing. Allele origin: germline.

KCCC/NGS Laboratory, Kuwait Cancer Control Center
Classification: Benign for Pheochromocytoma/paraganglioma syndrome 5. Last evaluated: 2023-07-07. Review status: criteria provided, single submitter. Criteria: ACMG Guidelines, 2015. Collection method: clinical testing. Allele origin: germline. Affected: yes.

Mayo Clinic Laboratories, Mayo Clinic
Classification: Benign. Last evaluated: 2022-05-01. Review status: criteria provided, single submitter. Criteria: ACMG Guidelines, 2015. Collection method: clinical testing. Allele origin: germline. Observed: 507 variant alleles.

ARUP Laboratories, Molecular Genetics and Genomics, ARUP Laboratories
Classification: Benign. Last evaluated: 2020-01-03. Review status: criteria provided, single submitter. Criteria: ARUP Molecular Germline Variant Investigation Process. Collection method: clinical testing. Allele origin: germline.

Illumina Laboratory Services, Illumina
Classification: Benign for Leigh syndrome. Last evaluated: 2018-01-12. Review status: criteria provided, single submitter. Criteria: ICSL Variant Classification Criteria 13 December 2019. Collection method: clinical testing. Allele origin: germline.
Comment: This variant was observed in the ICSL laboratory as part of a predisposition screen in an ostensibly healthy population. It had not been previously curated by ICSL or reported in the Human Gene Mutation Database (HGMD: prior to June 1st, 2018), and was therefore a candidate for classification through an automated scoring system. Utilizing variant allele frequency, disease prevalence and penetrance estimates, and inheritance mode, an automated score was calculated to assess if this variant is too frequent to cause the disease. Based on the score and internal cut-off values, a variant classified as benign is not then subjected to further curation. The score for this variant resulted in a classification of benign for this disease.

Illumina Laboratory Services, Illumina
Classification: Benign for Mitochondrial complex II deficiency, nuclear type 1. Last evaluated: 2018-01-12. Review status: criteria provided, single submitter. Criteria: ICSL Variant Classification Criteria 13 December 2019. Collection method: clinical testing. Allele origin: germline.
Comment: the same text as in the submission from Illumina Laboratory Services, Illumina above.

Illumina Laboratory Services, Illumina
Classification: Benign for Hereditary Paraganglioma-Pheochromocytoma Syndromes. Last evaluated: 2018-01-12. Review status: criteria provided, single submitter. Criteria: ICSL Variant Classification Criteria 13 December 2019. Collection method: clinical testing. Allele origin: germline.
Comment: the same text as in the submission from Illumina Laboratory Services, Illumina above.

GeneDx
Classification: Benign. Last evaluated: 2015-03-03. Review status: criteria provided, single submitter. Criteria: GeneDx Variant Classification Process June 2021. Collection method: clinical testing. Allele origin: germline. Affected: yes.

Ambry Genetics
Classification: Benign for Hereditary cancer-predisposing syndrome. Last evaluated: 2014-11-18. Review status: criteria provided, single submitter. Criteria: Ambry Variant Classification Scheme 2023. Collection method: clinical testing. Allele origin: germline.

Breakthrough Genomics
Classification: Benign. Review status: criteria provided, single submitter. Criteria: ACMG Guidelines, 2015. Collection method: not provided. Allele origin: germline. Inheritance: Autosomal recessive inheritance. Affected: yes.

PreventionGenetics, part of Exact Sciences
Classification: Benign. Review status: criteria provided, single submitter. Criteria: ACMG Guidelines, 2015. Collection method: clinical testing. Allele origin: germline.

Genetic Services Laboratory, University of Chicago
Classification: Likely benign for AllHighlyPenetrant. Review status: no assertion criteria provided. Collection method: clinical testing. Allele origin: germline. Not counted in ClinVar's aggregate classification.
Comment: Likely benign based on allele frequency in 1000 Genomes Project or ESP global frequency and its presence in a patient with a rare or unrelated disease phenotype. NOT Sanger confirmed.